The following is an entry in ClinVar:

ClinVar aggregate classification (germline): Conflicting classifications of pathogenicity. Review status: criteria provided, conflicting classifications (1 of 4 stars). 4 submissions from 4 submitters: Uncertain significance (1); Benign (1); Likely benign (1). 1 of the submissions does not count toward it. Last evaluated 2024-11-05.

Conditions:
ARHGAP31-related disorder. Also called: ARHGAP31-related condition.

Allele frequency attached by ClinVar (database versions not stated): gnomAD 0.00004 and 0.00010; gnomAD exomes 0.00005 and 0.00018; TOPMed 0.00007; ExAC 0.00013; 1000 Genomes Project 30x 0.00094; 1000 Genomes Project 0.00120.
gnomAD v4.1: 95 of 1,614,158 alleles (0.0059%); highest among the groups gnomAD compares: East Asian, 0.12%; 2 homozygotes.

Submissions (4):

Blueprint Genetics
Classification: Likely benign. Last evaluated: 2024-11-05. Review status: criteria provided, single submitter. Criteria: ACMG Guidelines, 2015. Collection method: clinical testing. Allele origin: germline.

Labcorp Genetics (formerly Invitae), Labcorp
Classification: Benign. Last evaluated: 2024-10-08. Review status: criteria provided, single submitter. Criteria: Invitae Variant Classification Sherloc (09022015). Collection method: clinical testing. Allele origin: germline.

Eurofins Ntd Llc (ga)
Classification: Uncertain significance. Last evaluated: 2015-08-17. Review status: criteria provided, single submitter. Criteria: EGL Classification Definitions 2015. Collection method: clinical testing. Allele origin: germline. Observed: 1 variant allele, 1 heterozygote.

PreventionGenetics, part of Exact Sciences
Classification: Likely benign for ARHGAP31-related condition. Last evaluated: 2024-05-16. Review status: no assertion criteria provided. Collection method: clinical testing. Allele origin: germline. Not counted in ClinVar's aggregate classification.
Comment: This variant is classified as likely benign based on ACMG/AMP sequence variant interpretation guidelines (Richards et al. 2015 PMID: 25741868, with internal and published modifications).

NM_020754.4(ARHGAP31):c.3255C>T (p.Pro1085=)

Gene: ARHGAP31 (Rho GTPase activating protein 31; plus strand). Cytogenetic location: 3q13.33.
Variant type: single nucleotide variant.
Coding change: c.3255C>T on transcript NM_020754.4 (MANE Select); coding-DNA position 3255, C replaced by T.
Protein change: p.Pro1085=; no amino-acid change (proline 1085 retained).
Molecular consequence: synonymous variant.
Genome position (GRCh38, 1-based): chr3:119,415,184, C>T. VCF-style: chr3-119415184-C-T. GRCh37 (hg19) VCF-style: chr3-119134031-C-T.
Other names: c.3255C>T (NM_020754.3).
Identifiers: ClinVar variation 282082 (VCV000282082.15), dbSNP rs372301689, ClinGen allele CA2554175.
Genomic context (GRCh38, chr3:119,415,184, plus strand): 5'-AGAGAGCAGCAAGGAGAGTTCACCCAGCGTGCAGGACAGCACTTCGCCTGGAGAGCACCC[C>T]GCAAAGTTACAGCTAAAGAGCACAGAGTGTGGGCCCCCAAAAGGGAAAAACAGGCCTTCT-3'
Protein context (NP_065805.2, residues 1075-1095): VQDSTSPGEH[Pro1085=]AKLQLKSTEC